The following is an entry in ClinVar:

NM_000548.5(TSC2):c.3034G>C (p.Asp1012His)

Gene: TSC2 (TSC complex subunit 2; plus strand). Cytogenetic location: 16p13.3.
Variant type: single nucleotide variant.
Coding change: c.3034G>C on transcript NM_000548.5 (MANE Select); coding-DNA position 3034, G replaced by C.
Protein change: p.Asp1012His; replaces aspartic acid 1012 with histidine.
Molecular consequence: missense variant. On other transcripts: non-coding transcript variant (5).
Genome position (GRCh38, 1-based): chr16:2,079,099, G>C. VCF-style: chr16-2079099-G-C. GRCh37 (hg19) VCF-style: chr16-2129100-G-C.
Other names: c.2902G>C, p.Asp968His (NM_001077183.3, NM_001370404.1, NM_001406665.1); c.3034G>C, p.Asp1012His (NM_001114382.3); c.2794G>C, p.Asp932His (NM_001318827.2); c.2758G>C, p.Asp920His (NM_001318829.2); c.2302G>C, p.Asp768His (NM_001318831.2, NM_001406687.1, NM_001406688.1); c.2935G>C, p.Asp979His (NM_001318832.2); c.2905G>C, p.Asp969His (NM_001363528.2, NM_001370405.1, NM_021055.3); c.3031G>C, p.Asp1011His (NM_001406663.1, NM_001406664.1); and 18 more; short protein forms D1011H, D1012H, D434H, D520H, D521H, D564H, D768H, D769H.
Identifiers: ClinVar variation 3232131 (VCV003232131.2), dbSNP rs2151432182, ClinGen allele CA394284074.

ClinVar aggregate classification (germline): Uncertain significance (1 of 4 stars; one submission).

Conditions:
Hereditary cancer-predisposing syndrome. Also called: Neoplastic Syndromes, Hereditary; Tumor predisposition; Hereditary Cancer Syndrome; Hereditary neoplastic syndrome. Identifiers: Orphanet 140162, MedGen C0027672, MeSH D009386, MONDO:0015356.

Submission:

Ambry Genetics
Classification: Uncertain significance for Hereditary cancer-predisposing syndrome. Last evaluated: 2026-07-02. Review status: criteria provided, single submitter. Criteria: Ambry Variant Classification Scheme 2023. Collection method: clinical testing. Allele origin: germline.
Comment: The p.D1012H variant (also known as c.3034G>C), located in coding exon 26 of the TSC2 gene, results from a G to C substitution at nucleotide position 3034. The aspartic acid at codon 1012 is replaced by histidine, an amino acid with similar properties. This amino acid position is highly conserved in available vertebrate species. In addition, this alteration is predicted to be deleterious by in silico analysis. Based on the available evidence, the clinical significance of this variant remains unclear.